The following is an entry in ClinVar:

ClinVar aggregate classification (germline): Conflicting classifications of pathogenicity. Review status: criteria provided, conflicting classifications (1 of 4 stars). 3 submissions from 3 submitters: Pathogenic (2); Uncertain significance (1). Last evaluated 2026-01-15.

Conditions:
Hypertrophic cardiomyopathy 20. Identifiers: MedGen C3151267, MONDO:0013477, OMIM 613876.
Dilated cardiomyopathy 1CC (CMD1CC). Identifiers: Orphanet 154, MedGen C2751084, MONDO:0013147, OMIM 613122.
Cardiovascular phenotype. Identifiers: MedGen CN230736.

Submissions (3):

Labcorp Genetics (formerly Invitae), Labcorp
Classification: Pathogenic for Dilated cardiomyopathy 1CC; Hypertrophic cardiomyopathy 20. Last evaluated: 2026-01-15. Review status: criteria provided, single submitter. Criteria: Invitae Variant Classification Sherloc (09022015). Collection method: clinical testing. Allele origin: germline.
Comment: This sequence change creates a premature translational stop signal (p.Asn154Ilefs*17) in the NEXN gene. It is expected to result in an absent or disrupted protein product. Loss-of-function variants in NEXN are known to be pathogenic (PMID: 19881492, 32058062, 32814711, 32870709, 33949776, 38059363, 40680702). This variant is not present in population databases (gnomAD no frequency). This variant has not been reported in the literature in individuals affected with NEXN-related conditions. ClinVar contains an entry for this variant (Variation ID: 201937). For these reasons, this variant has been classified as Pathogenic.

Ambry Genetics
Classification: Uncertain significance for Cardiovascular phenotype. Last evaluated: 2023-12-04. Review status: criteria provided, single submitter. Criteria: Ambry Variant Classification Scheme 2023. Collection method: clinical testing. Allele origin: germline.
Comment: The c.461_464delACAA variant, located in coding exon 5 of the NEXN gene, results from a deletion of 4 nucleotides at nucleotide positions 461 to 464, causing a translational frameshift with a predicted alternate stop codon (p.N154Ifs*17). This alteration is expected to result in loss of function by premature protein truncation or nonsense-mediated mRNA decay. Although biallelic loss of function alterations in NEXN have been associated with autosomal recessive NEXN-related cardiomyopathy, haploinsufficiency for NEXN has not been clearly established as a mechanism of disease for autosomal dominant NEXN-related cardiomyopathy. Since supporting evidence is limited at this time, the clinical significance of this alteration remains unclear.

GeneDx
Classification: Pathogenic. Last evaluated: 2013-04-08. Review status: criteria provided, single submitter. Criteria: GeneDx Variant Classification (06012015). Collection method: clinical testing. Allele origin: germline. Affected: yes.
Comment: The c.461_464delACAA variant in the NEXN gene has not been reported as a disease-causing mutation to our knowledge. This variant causes a shift in reading frame starting at codon Asparagine 154, changing it to a Isoleucine, and creating a premature stop codon at position 17 of the new reading frame, denoted p.Asn154IlefsX17. This variant is expected to result in either an abnormal, truncated protein product or loss of protein from this allele through nonsense-mediated mRNA decay. However, there have been no truncating mutations in the NEXN gene reported to date. With the clinical and molecular information available at this time, we cannot definitively determine if c.461_464delACAA is a disease-causing mutation or a rare benign variant

Literature cited by the submitters: PubMed 19881492 (cited by Labcorp Genetics (formerly Invitae), Labcorp); PubMed 32058062 (cited by Labcorp Genetics (formerly Invitae), Labcorp); PubMed 32814711 (cited by Labcorp Genetics (formerly Invitae), Labcorp); PubMed 32870709 (cited by Labcorp Genetics (formerly Invitae), Labcorp); PubMed 33949776 (cited by Labcorp Genetics (formerly Invitae), Labcorp); PubMed 38059363 (cited by Labcorp Genetics (formerly Invitae), Labcorp); PubMed 40680702 (cited by Labcorp Genetics (formerly Invitae), Labcorp).

NM_144573.4(NEXN):c.461_464del (p.Asn154fs)

Gene: NEXN (nexilin F-actin binding protein; plus strand). Cytogenetic location: 1p31.1.
Variant type: Deletion.
Coding change: c.461_464del on transcript NM_144573.4 (MANE Select); coding-DNA positions 461 to 464, 4 bases deleted (ACAA; older notation c.461_464delACAA).
Protein change: p.Asn154fs; shifts the reading frame from asparagine 154.
Molecular consequence: frameshift variant.
Genome position (GRCh38, 1-based): chr1:77,925,201-77,925,204, ACAA deleted; deleting any 4 consecutive bases within chr1:77,925,199-77,925,204 gives the same sequence; the c. name uses the placement nearest the transcript's 3' end. VCF-style (leftmost placement, unchanged base first): chr1-77925198-TAAAC-T. GRCh37 (hg19) VCF-style: chr1-78390883-TAAAC-T.
Other names: c.269_272delACAA (NM_001172309.1); c.269_272del, p.Asn90fs (NM_001172309.2); c.461_464delACAA (NM_144573.3); short protein forms N154fs, N90fs.
Identifiers: ClinVar variation 201937 (VCV000201937.9), dbSNP rs794729088, ClinGen allele CA335451.
Genomic context (GRCh38, chr1:77,925,198, plus strand): 5'-AAAAGTAGAAATCTGATGTAATGTAATGATATGAAATTCTCATTCAATAGATTGAGGACA[TAAAC>T]AATACGGGAACTGAATCAGCATCAGAGGTAAACAGACATTTCCTTTAATGAAACATTCAC-3'